The following is an entry in ClinVar:

NM_012431.3(SEMA3E):c.946C>T (p.Pro316Ser)

Gene: SEMA3E (semaphorin 3E; minus strand). Cytogenetic location: 7q21.11.
Variant type: single nucleotide variant.
Coding change: c.946C>T on transcript NM_012431.3 (MANE Select); coding-DNA position 946, C replaced by T.
Protein change: p.Pro316Ser; replaces proline 316 with serine.
Molecular consequence: missense variant.
Genome position (GRCh38, 1-based): chr7:83,405,502, G>A on the plus strand (C>T on the coding strand, the complement: SEMA3E is on the minus strand). VCF-style: chr7-83405502-G-A. GRCh37 (hg19) VCF-style: chr7-83034818-G-A.
Other names: c.766C>T, p.Pro256Ser (NM_001178129.2); short protein forms P256S, P316S.
Identifiers: ClinVar variation 4992639 (VCV004992639.1).

ClinVar aggregate classification (germline): Uncertain significance (1 of 4 stars; one submission).

Conditions:
SEMA3E-related disorder. Also called: SEMA3E-related condition.

Submission:

PreventionGenetics, part of Exact Sciences
Classification: Uncertain significance for SEMA3E-related condition. Last evaluated: 2026-05-14. Review status: criteria provided, single submitter. Criteria: ACMG Guidelines, 2015. Collection method: clinical testing. Allele origin: germline.
Comment: The SEMA3E c.946C>T variant is predicted to result in the amino acid substitution p.Pro316Ser. To our knowledge, this variant has not been reported in the literature or in a large population database (gnomAD), indicating this variant is rare. At this time, the clinical significance of this variant is uncertain due to the absence of conclusive functional and genetic evidence.